The following is an entry in ClinVar:

ClinVar aggregate classification (germline): Pathogenic (1 of 4 stars; one submission).

Submission:

GeneDx
Classification: Pathogenic. Last evaluated: 2023-05-08. Review status: criteria provided, single submitter. Criteria: GeneDx Variant Classification Process June 2021. Collection method: clinical testing. Allele origin: germline. Affected: yes.
Comment: Frameshift variant predicted to result in protein truncation or nonsense mediated decay in a gene for which loss-of-function is a known mechanism of disease; Not observed in large population cohorts (gnomAD); Has not been previously published as pathogenic or benign to our knowledge

NM_000088.4(COL1A1):c.2445_2446delinsA (p.Pro817fs)

Gene: COL1A1 (collagen type I alpha 1 chain; minus strand). Cytogenetic location: 17q21.33.
Variant type: Indel.
Coding change: c.2445_2446delinsA on transcript NM_000088.4 (MANE Select); coding-DNA positions 2445 to 2446, CC replaced by A.
Protein change: p.Pro817fs; shifts the reading frame from proline 817.
Molecular consequence: frameshift variant.
Genome position (GRCh38, 1-based): chr17:50,190,332-50,190,333, GG replaced by T on the plus strand (CC replaced by A on the coding strand, the reverse complement: COL1A1 is on the minus strand). VCF-style: chr17-50190332-GG-T. GRCh37 (hg19) VCF-style: chr17-48267693-GG-T.
Other names: c.2445_2446delCCinsA (NM_000088.3); c.2445_2446delinsA (NM_000088.3); short protein forms P817fs.
Identifiers: ClinVar variation 1189150 (VCV001189150.3), dbSNP rs2144554392, ClinGen allele CA2499224727.